The following is an entry in ClinVar:

ClinVar aggregate classification (germline): Uncertain significance. Review status: criteria provided, multiple submitters, no conflicts (2 of 4 stars). 2 submissions from 2 submitters: Uncertain significance (2). Last evaluated 2022-11-15.

Conditions:
Intellectual developmental disorder, autosomal dominant 1. Also called: Intellectual disability, autosomal dominant 1; MBD5 Haploinsufficiency. Identifiers: Orphanet 228402, MedGen C1969562, MONDO:0007974, OMIM 156200.

Submissions (2):

Labcorp Genetics (formerly Invitae), Labcorp
Classification: Uncertain significance for Intellectual developmental disorder, autosomal dominant 1. Last evaluated: 2022-11-15. Review status: criteria provided, single submitter. Criteria: Invitae Variant Classification Sherloc (09022015). Collection method: clinical testing. Allele origin: germline.
Comment: In summary, the available evidence is currently insufficient to determine the role of this variant in disease. Therefore, it has been classified as a Variant of Uncertain Significance. Advanced modeling of protein sequence and biophysical properties (such as structural, functional, and spatial information, amino acid conservation, physicochemical variation, residue mobility, and thermodynamic stability) performed at Invitae indicates that this missense variant is not expected to disrupt MBD5 protein function. This variant has not been reported in the literature in individuals affected with MBD5-related conditions. This variant is not present in population databases (gnomAD no frequency). This sequence change replaces leucine, which is neutral and non-polar, with phenylalanine, which is neutral and non-polar, at codon 898 of the MBD5 protein (p.Leu898Phe).

GeneDx
Classification: Uncertain significance. Last evaluated: 2022-06-22. Review status: criteria provided, single submitter. Criteria: GeneDx Variant Classification Process June 2021. Collection method: clinical testing. Allele origin: germline. Affected: yes.
Comment: Not observed at significant frequency in large population cohorts (gnomAD); In silico analysis supports that this missense variant does not alter protein structure/function; Has not been previously published as pathogenic or benign to our knowledge

NM_001378120.1(MBD5):c.2692C>T (p.Leu898Phe)

Gene: MBD5 (methyl-CpG binding domain protein 5; plus strand). Cytogenetic location: 2q23.1.
Variant type: single nucleotide variant.
Coding change: c.2692C>T on transcript NM_001378120.1 (MANE Select); coding-DNA position 2692, C replaced by T.
Protein change: p.Leu898Phe; replaces leucine 898 with phenylalanine.
Molecular consequence: missense variant.
Genome position (GRCh38, 1-based): chr2:148,483,283, C>T. VCF-style: chr2-148483283-C-T. GRCh37 (hg19) VCF-style: chr2-149240852-C-T.
Other names: c.2692C>T, p.Leu898Phe (NM_018328.5); short protein forms L898F.
Identifiers: ClinVar variation 1806803 (VCV001806803.6), dbSNP rs2469974775, ClinGen allele CA348722494.
Genomic context (GRCh38, chr2:148,483,283, plus strand): 5'-CCACTGCAGAGTCAGCTACCCATTGGGAGTGATTTTCCTTTTGTTGGCCAGGAGCACGCA[C>T]TTCATTTTCCATCCAACAGCACTTCAAACAACCATCTTCCACACCCCTTGAACCCCAGCC-3'
Protein context (NP_001365049.1, residues 888-908): DFPFVGQEHA[Leu898Phe]HFPSNSTSNN